The following is an entry in ClinVar:

NM_130839.5(UBE3A):c.2547_2567dup (p.Leu855_Lys856insAsnSerSerLysGluLysLeu)

Genes: SNHG14 (small nucleolar RNA host gene 14; plus strand), UBE3A (ubiquitin protein ligase E3A; minus strand). Cytogenetic location: 15q11.2.
Variant type: Duplication.
Coding change: c.2547_2567dup on transcript NM_130839.5 (MANE Select); coding-DNA positions 2547 to 2567, 21 bases duplicated (CTCAAGCAAAGAAAAACTTAA).
Protein change: p.Leu855_Lys856insAsnSerSerLysGluLysLeu.
Molecular consequence: inframe insertion. On other transcripts: non-coding transcript variant (1).
Genome position (GRCh38, 1-based): chr15:25,339,189-25,339,209, TTAAGTTTTTCTTTGCTTGAG duplicated on the plus strand (CTCAAGCAAAGAAAAACTTAA on the coding strand, the reverse complement: UBE3A is on the minus strand); duplicating any 21 consecutive bases within chr15:25,339,189-25,339,210 gives the same sequence; the c. name uses the placement nearest the transcript's 3' end. VCF-style (leftmost placement, unchanged base first): chr15-25339188-T-TTTAAGTTTTTCTTTGCTTGAG. GRCh37 (hg19) VCF-style: chr15-25584335-T-TTTAAGTTTTTCTTTGCTTGAG.
Other names: c.1296_1316dup, p.Leu438_Lys439insAsnSerSerLysGluLysLeu (NM_001354550.2); c.1236_1256dup, p.Leu418_Lys419insAsnSerSerLysGluLysLeu (NM_001354551.2); c.2487_2507dup, p.Leu835_Lys836insAsnSerSerLysGluLysLeu (NM_001374461.1, NM_130838.4, NM_001354506.2 and 14 more transcripts); c.2556_2576dup, p.Leu858_Lys859insAsnSerSerLysGluLysLeu (NM_000462.5); c.2547_2567dup, p.Leu855_Lys856insAsnSerSerLysGluLysLeu (NM_001354505.1, NM_001354538.2); c.2391_2411dup, p.Leu803_Lys804insAsnSerSerLysGluLysLeu (NM_001354545.2); c.2370_2390dup, p.Leu796_Lys797insAsnSerSerLysGluLysLeu (NM_001354546.2); c.2331_2351dup, p.Leu783_Lys784insAsnSerSerLysGluLysLeu (NM_001354547.2, NM_001354548.2); and 1 more.
Identifiers: ClinVar variation 155993 (VCV000155993.1), dbSNP rs587781240, ClinGen allele CA333387.
Genomic context (GRCh38, chr15:25,339,188, plus strand): 5'-TGTTTTGTTTTACAGCATGCCAAATCCTTTGGCATACGTGATGGCCTTCAACAATCTCTC[T>TTTAAGTTTTTCTTTGCTTGAG]TTAAGTTTTTCTTTGCTTGAGTATTCCGGAAGTAAAAGCACATTAAAGCAAGTATGAGAT-3'

ClinVar aggregate classification (germline): Pathogenic (0 of 4 stars; one submission).

Conditions:
Angelman syndrome (AS). Also called: HAPPY PUPPET SYNDROME. Identifiers: Orphanet 72, MedGen C0162635, MONDO:0007113, OMIM 105830. Disease mechanism: loss of function. Inheritance: AS is caused by disruption of maternally imprinted UBE3A located within the 15q11.2-q13 Angelman syndrome/Prader-Willi syndrome (AS/PWS) region., imprinting disorder.

Submission:

Baylor Genetics
Classification: Pathogenic for Angelman Syndrome. Last evaluated: 2014-02-14. Review status: no assertion criteria provided. Collection method: clinical testing. Allele origin: de novo. Affected: yes. Observed: 1 variant allele. Study: UBE3A Mutation Study.
Comment: Data collected from clinical UBE3A sequence analysis results

Literature cited by the submitters: PubMed 25212744.